The following is an entry in ClinVar:

NM_177438.3(DICER1):c.846T>A (p.Asn282Lys)

Gene: DICER1 (dicer 1, ribonuclease III; minus strand). Cytogenetic location: 14q32.13.
Variant type: single nucleotide variant.
Coding change: c.846T>A on transcript NM_177438.3 (MANE Select); coding-DNA position 846, T replaced by A.
Protein change: p.Asn282Lys; replaces asparagine 282 with lysine.
Molecular consequence: missense variant. On other transcripts: 5 prime UTR variant (1), non-coding transcript variant (6).
Genome position (GRCh38, 1-based): chr14:95,126,637, A>T on the plus strand (T>A on the coding strand, the complement: DICER1 is on the minus strand). VCF-style: chr14-95126637-A-T. GRCh37 (hg19) VCF-style: chr14-95592974-A-T.
Other names: c.846T>A, p.Asn282Lys (NM_001195573.1, NM_001271282.3, NM_001291628.2 and 15 more transcripts); c.564T>A, p.Asn188Lys (NM_001395686.1); c.441T>A, p.Asn147Lys (NM_001395687.1, NM_001395688.1, NM_001395689.1 and 3 more transcripts); c.279T>A, p.Asn93Lys (NM_001395691.1); c.-723T>A (NM_001395697.1); short protein forms N147K, N188K, N282K, N93K.
Identifiers: ClinVar variation 3229452 (VCV003229452.1), dbSNP rs1289583170, ClinGen allele CA390887546.
Genomic context (GRCh38, chr14:95,126,637, plus strand): 5'-TACCTGTTTCGAAATTAAAGTAGAATCTCTTTCTTTTGAATGTACAGATATATTACAATC[A>T]TTGATAAAATTAAGTGCTTCTTCTAATTCCATCAGCAGTCTTTCATAAAGCCCACTTCTG-3'
Protein context (NP_803187.1, residues 272-292): MELEEALNFI[Asn282Lys]DCNISVHSKE

ClinVar aggregate classification (germline): Uncertain significance (1 of 4 stars; one submission).

Conditions:
Hereditary cancer-predisposing syndrome. Also called: Neoplastic Syndromes, Hereditary; Tumor predisposition; Hereditary neoplastic syndrome; Hereditary Cancer Syndrome. Identifiers: Orphanet 140162, MedGen C0027672, MeSH D009386, MONDO:0015356.

Submission:

Ambry Genetics
Classification: Uncertain significance for Hereditary cancer-predisposing syndrome. Last evaluated: 2024-03-09. Review status: criteria provided, single submitter. Criteria: Ambry Variant Classification Scheme 2023. Collection method: clinical testing. Allele origin: germline.
Comment: The p.N282K variant (also known as c.846T>A), located in coding exon 6 of the DICER1 gene, results from a T to A substitution at nucleotide position 846. The asparagine at codon 282 is replaced by lysine, an amino acid with similar properties. This amino acid position is conserved. In addition, this alteration is predicted to be tolerated by in silico analysis. Based on the available evidence, the clinical significance of this alteration remains unclear.